The following is an entry in ClinVar:

NM_000089.4(COL1A2):c.3488G>A (p.Cys1163Tyr)

Gene: COL1A2 (collagen type I alpha 2 chain; plus strand). Cytogenetic location: 7q21.3.
Variant type: single nucleotide variant.
Coding change: c.3488G>A on transcript NM_000089.4 (MANE Select); coding-DNA position 3488, G replaced by A.
Protein change: p.Cys1163Tyr; replaces cysteine 1163 with tyrosine.
Molecular consequence: missense variant.
Genome position (GRCh38, 1-based): chr7:94,427,847, G>A. VCF-style: chr7-94427847-G-A. GRCh37 (hg19) VCF-style: chr7-94057159-G-A.
Other names: short protein forms C1163Y.
Identifiers: ClinVar variation 940649 (VCV000940649.12), dbSNP rs1792314999, ClinGen allele CA368226068.

ClinVar aggregate classification (germline): Uncertain significance. Review status: criteria provided, multiple submitters, no conflicts (2 of 4 stars). 2 submissions from 2 submitters: Uncertain significance (2). Last evaluated 2025-08-29.

Conditions:
Osteogenesis imperfecta type I (OI1). Also called: Osteogenesis imperfecta type 1; OI, TYPE I; OSTEOGENESIS IMPERFECTA TARDA; OSTEOGENESIS IMPERFECTA WITH BLUE SCLERAE; Lobstein disease; Lobstein's Disease. Identifiers: Orphanet 216796, Orphanet 666, MedGen C0023931, MONDO:0008146, OMIM 166200. Disease mechanism: loss of function.
Ehlers-Danlos syndrome, classic type, 1 (EDSCL1). Also called: Ehlers-Danlos Syndrome, Classic Type, COL5A1-Related; EHLERS-DANLOS SYNDROME, GRAVIS TYPE; EHLERS-DANLOS SYNDROME, SEVERE CLASSIC TYPE; EDS I; Ehlers-Danlos syndrome, type 1. Identifiers: MedGen C0268335, MONDO:0019567, OMIM 130000.

Submissions (2):

Labcorp Genetics (formerly Invitae), Labcorp
Classification: Uncertain significance for Osteogenesis imperfecta type I; Ehlers-Danlos syndrome, classic type, 1. Last evaluated: 2025-08-29. Review status: criteria provided, single submitter. Criteria: Invitae Variant Classification Sherloc (09022015). Collection method: clinical testing. Allele origin: germline.
Comment: This sequence change replaces cysteine, which is neutral and slightly polar, with tyrosine, which is neutral and polar, at codon 1163 of the COL1A2 protein (p.Cys1163Tyr). This variant is not present in population databases (gnomAD no frequency). This variant has not been reported in the literature in individuals affected with COL1A2-related conditions. ClinVar contains an entry for this variant (Variation ID: 940649). Invitae Evidence Modeling of protein sequence and biophysical properties (such as structural, functional, and spatial information, amino acid conservation, physicochemical variation, residue mobility, and thermodynamic stability) indicates that this missense variant is expected to disrupt COL1A2 protein function with a positive predictive value of 95%. In summary, the available evidence is currently insufficient to determine the role of this variant in disease. Therefore, it has been classified as a Variant of Uncertain Significance.

Blueprint Genetics
Classification: Uncertain significance. Last evaluated: 2019-08-28. Review status: criteria provided, single submitter. Criteria: ACMG Guidelines, 2015. Collection method: clinical testing. Allele origin: germline.